The following is an entry in ClinVar:

NM_001199138.2(NLRC4):c.1787T>C (p.Phe596Ser)

Gene: NLRC4 (NLR family CARD domain containing 4; minus strand). Cytogenetic location: 2p22.3.
Variant type: single nucleotide variant.
Coding change: c.1787T>C on transcript NM_001199138.2 (MANE Select); coding-DNA position 1787, T replaced by C.
Protein change: p.Phe596Ser; replaces phenylalanine 596 with serine.
Molecular consequence: missense variant. On other transcripts: intron variant (1).
Genome position (GRCh38, 1-based): chr2:32,250,077, A>G on the plus strand (T>C on the coding strand, the complement: NLRC4 is on the minus strand). VCF-style: chr2-32250077-A-G. GRCh37 (hg19) VCF-style: chr2-32475146-A-G.
Other names: c.262+2342T>C (NM_001302504.1); c.1787T>C, p.Phe596Ser (NM_001199139.2, NM_021209.5); short protein forms F596S.
Identifiers: ClinVar variation 4120494 (VCV004120494.2).
Genomic context (GRCh38, chr2:32,250,077, plus strand): 5'-AAGTCCAGTTTAATGAAGTCCAGGGCACTTGCACAATTGGGCAAATGTTCAAAGAAGTCA[A>G]ATAAGTAATCGGGGATGTTCCCTGAGTTGATATATAAGCTTTTACCTTGAAAGAAAGCTT-3'
Protein context (NP_001186067.1, residues 586-606): INSGNIPDYL[Phe596Ser]DFFEHLPNCA

ClinVar aggregate classification (germline): Uncertain significance. Review status: criteria provided, multiple submitters, no conflicts (2 of 4 stars). 2 submissions from 2 submitters: Uncertain significance (2). Last evaluated 2026-01-19.

Conditions:
Periodic fever-infantile enterocolitis-autoinflammatory syndrome. Also called: Autoinflammation with infantile enterocolitis. Identifiers: Orphanet 436166, MedGen C4015067, MONDO:0014472, OMIM 616050.
Familial cold autoinflammatory syndrome 4 (FCAS4). Identifiers: Orphanet 47045, Orphanet 576349, MedGen C4015276, MONDO:0014498, OMIM 616115.
Inborn genetic diseases. Identifiers: MedGen C0950123, MeSH D030342.

gnomAD v4.1: 3 of 1,614,106 alleles (0.00019%); highest among the groups gnomAD compares: Non-Finnish European, 0.00025%; no homozygotes.

Submissions (2):

Labcorp Genetics (formerly Invitae), Labcorp
Classification: Uncertain significance for Periodic fever-infantile enterocolitis-autoinflammatory syndrome; Familial cold autoinflammatory syndrome 4. Last evaluated: 2026-01-19. Review status: criteria provided, single submitter. Criteria: Invitae Variant Classification Sherloc (09022015). Collection method: clinical testing. Allele origin: germline.
Comment: This sequence change replaces phenylalanine, which is neutral and non-polar, with serine, which is neutral and polar, at codon 596 of the NLRC4 protein (p.Phe596Ser). This variant is present in population databases (rs745745438, gnomAD 0.0009%). This variant has not been reported in the literature in individuals affected with NLRC4-related conditions. ClinVar contains an entry for this variant (Variation ID: 4120494). Invitae Evidence Modeling of protein sequence and biophysical properties (such as structural, functional, and spatial information, amino acid conservation, physicochemical variation, residue mobility, and thermodynamic stability) indicates that this missense variant is not expected to disrupt NLRC4 protein function with a negative predictive value of 80%. In summary, the available evidence is currently insufficient to determine the role of this variant in disease. Therefore, it has been classified as a Variant of Uncertain Significance.

Ambry Genetics
Classification: Uncertain significance for Inborn genetic diseases. Last evaluated: 2025-08-21. Review status: criteria provided, single submitter. Criteria: Ambry Variant Classification Scheme 2023. Collection method: clinical testing. Allele origin: germline.